The following is an entry in ClinVar:

NM_001329943.3(KIAA0586):c.4324-1G>A

Gene: KIAA0586 (KIAA0586; plus strand). Cytogenetic location: 14q23.1.
Variant type: single nucleotide variant.
Coding change: c.4324-1G>A on transcript NM_001329943.3 (MANE Select); the canonical splice acceptor site of the intron before coding-DNA position 4324, G replaced by A.
Molecular consequence: splice acceptor variant.
Genome position (GRCh38, 1-based): chr14:58,512,521, G>A. VCF-style: chr14-58512521-G-A. GRCh37 (hg19) VCF-style: chr14-58979239-G-A.
Other names: c.4483-1G>A (NM_001244189.2); c.4279-1G>A (NM_001244190.2); c.4192-1G>A (NM_001244192.2, NM_001329947.2); c.4069-1G>A (NM_001244191.2, NM_001364701.2, NM_001329945.2 and 1 more transcripts); c.4324-1G>A (NM_001329944.2, NM_001329946.2); c.4096-1G>A (NM_014749.5); c.3904-1G>A (NM_001244193.2).
Identifiers: ClinVar variation 1031253 (VCV001031253.7), dbSNP rs753649082, ClinGen allele CA7206372.

ClinVar aggregate classification (germline): Likely pathogenic. Review status: criteria provided, multiple submitters, no conflicts (2 of 4 stars). 5 submissions from 5 submitters: Likely pathogenic (4). 1 of the submissions does not count toward it. Last evaluated 2025-07-29.

Conditions:
Short-rib thoracic dysplasia 14 with polydactyly (SRTD14). Identifiers: Orphanet 397715, MedGen C4225286, MONDO:0014688, OMIM 616546.
Joubert syndrome 23 (JBTS23). Identifiers: Orphanet 475, MedGen C4084822, MONDO:0014664, OMIM 616490.
Ciliopathy. Also called: Ciliopathies. Identifiers: Orphanet 363250, MedGen C4277690, MONDO:0005308, MeSH D000072661.

Allele frequency attached by ClinVar (database versions not stated): TOPMed 0.00001; ExAC 0.00004; gnomAD 0.00001.
gnomAD v4.1: 7 of 1,476,990 alleles (0.00047%); highest among the groups gnomAD compares: African/African-American, 0.0044%; no homozygotes.

Submissions (5):

Victorian Clinical Genetics Services, Murdoch Childrens Research Institute
Classification: Likely pathogenic for Ciliopathy. Last evaluated: 2025-07-29. Review status: criteria provided, single submitter. Criteria: ACMG Guidelines, 2015. Collection method: clinical testing. Allele origin: germline. Affected: yes.
Comment: This variant is classified as Likely pathogenic. Evidence in support of pathogenic classification: Canonical splice site variant without proven consequence on splicing (no functional evidence available); Variant is present in gnomAD <0.01 for a recessive condition (v4: 7 heterozygote(s), 0 homozygote(s)); This variant has moderate previous evidence of pathogenicity in unrelated individuals. This variant has been classified as likely pathogenic by clinical laboratories in ClinVar; as well as once as a VUS; Another canonical splice variant comparable to the one identified in this case has limited previous evidence for pathogenicity. c.4324-2A>G has been classified as likely pathogenic by clinical laboratories in ClinVar; Abnormal splicing is predicted by in silico tool and affected nucleotide is highly conserved. Additional information: This variant is heterozygous; This gene is associated with autosomal recessive disease; Alternative nucleotide change(s) at the same canonical splice site are present in gnomAD (Highest allele count: v4: 5 heterozygote(s), 0 homozygote(s)); No published segregation evidence has been identified for this variant; No published functional evidence has been identified for this variant; Loss of function is a known mechanism of disease in this gene and is associated with Joubert syndrome 23 (MIM#616490) and short-rib thoracic dysplasia 14 with polydactyly (MIM#616546); Inheritance information for this variant is not currently available in this individual.

Genomic Medicine Center of Excellence, King Faisal Specialist Hospital and Research Centre
Classification: Likely pathogenic for Joubert syndrome 23. Last evaluated: 2024-12-19. Review status: criteria provided, single submitter. Criteria: ACMG Guidelines, 2015. Collection method: clinical testing. Allele origin: germline.

Labcorp Genetics (formerly Invitae), Labcorp
Classification: Likely pathogenic for Joubert syndrome 23; Short-rib thoracic dysplasia 14 with polydactyly. Last evaluated: 2024-04-14. Review status: criteria provided, single submitter. Criteria: Invitae Variant Classification Sherloc (09022015). Collection method: clinical testing. Allele origin: germline.
Comment: This sequence change affects an acceptor splice site in intron 30 of the KIAA0586 gene. It is expected to disrupt RNA splicing. Variants that disrupt the donor or acceptor splice site typically lead to a loss of protein function (PMID: 16199547), and loss-of-function variants in KIAA0586 are known to be pathogenic (PMID: 26096313, 26166481, 26386044). The frequency data for this variant in the population databases is considered unreliable, as metrics indicate poor data quality at this position in the gnomAD database. This variant has not been reported in the literature in individuals affected with KIAA0586-related conditions. ClinVar contains an entry for this variant (Variation ID: 1031253). Algorithms developed to predict the effect of sequence changes on RNA splicing suggest that this variant may disrupt the consensus splice site. In summary, the currently available evidence indicates that the variant is pathogenic, but additional data are needed to prove that conclusively. Therefore, this variant has been classified as Likely Pathogenic.

Baylor Genetics
Classification: Likely pathogenic for Short-rib thoracic dysplasia 14 with polydactyly. Last evaluated: 2019-12-12. Review status: criteria provided, single submitter. Criteria: ACMG Guidelines, 2015. Collection method: clinical testing. Allele origin: unknown. Affected: yes.
Comment: This variant was determined to be likely pathogenic according to ACMG Guidelines, 2015 [PMID:25741868].

GeneDx
Classification: Uncertain significance. Last evaluated: 2022-05-23. Review status: flagged submission. Criteria: GeneDx Variant Classification Process June 2021. Collection method: clinical testing. Allele origin: germline. Affected: yes. Not counted in ClinVar's aggregate classification.
Comment: Canonical splice site variant predicted to result in a null allele in a gene for which loss of function is a known mechanism of disease; Has not been previously published as pathogenic or benign to our knowledge
ClinVar note: Reason: Outlier claim with insufficient supporting evidence

Literature cited by the submitters: PubMed 16199547 (cited by Labcorp Genetics (formerly Invitae), Labcorp); PubMed 26096313 (cited by Labcorp Genetics (formerly Invitae), Labcorp); PubMed 26166481 (cited by Labcorp Genetics (formerly Invitae), Labcorp); PubMed 26386044 (cited by Labcorp Genetics (formerly Invitae), Labcorp).